The following is an entry in ClinVar:

ClinVar aggregate classification (germline): Likely benign (1 of 4 stars; one submission).

Conditions:
Peroxisome biogenesis disorder 11A (Zellweger). Also called: Peroxisome biogenesis disorder 11A. Identifiers: Orphanet 912, MedGen C3554000, MONDO:0013949, OMIM 614883.

Allele frequency attached by ClinVar (database versions not stated): gnomAD 0.00268 and 0.00282; TOPMed 0.00303; 1000 Genomes Project 0.00439; 1000 Genomes Project 30x 0.00484.

Submission:

Illumina Laboratory Services, Illumina
Classification: Likely benign for Peroxisome biogenesis disorder 11A (Zellweger). Last evaluated: 2018-01-12. Review status: criteria provided, single submitter. Criteria: ICSL Variant Classification Criteria 13 December 2019. Collection method: clinical testing. Allele origin: germline.
Comment: This variant was observed in the ICSL laboratory as part of a predisposition screen in an ostensibly healthy population. It had not been previously curated by ICSL or reported in the Human Gene Mutation Database (HGMD: prior to June 1st, 2018), and was therefore a candidate for classification through an automated scoring system. Utilizing variant allele frequency, disease prevalence and penetrance estimates, and inheritance mode, an automated score was calculated to assess if this variant is too frequent to cause the disease. Based on the score and internal cut-off values, a variant classified as likely benign is not then subjected to further curation. The score for this variant resulted in a classification of likely benign for this disease.

NM_002618.4(PEX13):c.*1724A>T

Gene: PEX13 (peroxisomal biogenesis factor 13; plus strand). Cytogenetic location: 2p15.
Variant type: single nucleotide variant.
Coding change: c.*1724A>T on transcript NM_002618.4 (MANE Select); 1724 bases downstream of the stop codon, A replaced by T.
Molecular consequence: 3 prime UTR variant.
Genome position (GRCh38, 1-based): chr2:61,050,494, A>T. VCF-style: chr2-61050494-A-T. GRCh37 (hg19) VCF-style: chr2-61277629-A-T.
Identifiers: ClinVar variation 336694 (VCV000336694.5), dbSNP rs137932203, ClinGen allele CA10614235.